The following is an entry in ClinVar:

NM_001130438.3(SPTAN1):c.6478C>T (p.Arg2160Cys)

Gene: SPTAN1 (spectrin alpha, non-erythrocytic 1; plus strand). Cytogenetic location: 9q34.11.
Variant type: single nucleotide variant.
Coding change: c.6478C>T on transcript NM_001130438.3 (MANE Select); coding-DNA position 6478, C replaced by T.
Protein change: p.Arg2160Cys; replaces arginine 2160 with cysteine.
Molecular consequence: missense variant.
Genome position (GRCh38, 1-based): chr9:128,626,589, C>T. VCF-style: chr9-128626589-C-T. GRCh37 (hg19) VCF-style: chr9-131388868-C-T.
Other names: c.6403C>T, p.Arg2135Cys (NM_001195532.2); c.6478C>T, p.Arg2160Cys (NM_001363759.2); c.6418C>T, p.Arg2140Cys (NM_001363765.2); c.6463C>T, p.Arg2155Cys (NM_003127.4); c.6478C>T (NM_001375313.1); short protein forms R2160C, R2155C, R2140C, R2135C.
Identifiers: ClinVar variation 387660 (VCV000387660.7), dbSNP rs780696613, ClinGen allele CA5265709.

ClinVar aggregate classification (germline): Conflicting classifications of pathogenicity. Review status: criteria provided, conflicting classifications (1 of 4 stars). 4 submissions from 4 submitters: Uncertain significance (2); Likely benign (2). Last evaluated 2026-01-21.

Conditions:
Inborn genetic diseases. Identifiers: MedGen C0950123, MeSH D030342.
Developmental and epileptic encephalopathy, 5 (DEE5). Identifiers: Orphanet 3451, MedGen C3150731, MONDO:0013277, OMIM 613477.
Early-infantile DEE. Also called: Early infantile epileptic encephalopathy with suppression bursts; Early infantile epileptic encephalopathy; Ohtahara syndrome. Identifiers: Orphanet 1934, MedGen C0393706, MONDO:0800491.

Allele frequency attached by ClinVar (database versions not stated): gnomAD below 0.00001 and 0.00001; gnomAD exomes 0.00001 and 0.00004; ExAC 0.00002; TOPMed 0.00002.
gnomAD v4.1: 24 of 1,613,980 alleles (0.0015%); highest among the groups gnomAD compares: South Asian, 0.012%; no homozygotes.

Submissions (4):

Labcorp Genetics (formerly Invitae), Labcorp
Classification: Uncertain significance for Early-infantile DEE. Last evaluated: 2026-01-21. Review status: criteria provided, single submitter. Criteria: Invitae Variant Classification Sherloc (09022015). Collection method: clinical testing. Allele origin: germline.
Comment: This sequence change replaces arginine, which is basic and polar, with cysteine, which is neutral and slightly polar, at codon 2160 of the SPTAN1 protein (p.Arg2160Cys). This variant is present in population databases (rs780696613, gnomAD 0.02%). This variant has not been reported in the literature in individuals affected with SPTAN1-related conditions. ClinVar contains an entry for this variant (Variation ID: 387660). Invitae Evidence Modeling of protein sequence and biophysical properties (such as structural, functional, and spatial information, amino acid conservation, physicochemical variation, residue mobility, and thermodynamic stability) has been performed for this missense variant. However, the output from this modeling did not meet the statistical confidence thresholds required to predict the impact of this variant on SPTAN1 protein function. In summary, the available evidence is currently insufficient to determine the role of this variant in disease. Therefore, it has been classified as a Variant of Uncertain Significance.

Genomic Medicine Center of Excellence, King Faisal Specialist Hospital and Research Centre
Classification: Uncertain significance for Developmental and epileptic encephalopathy, 5. Last evaluated: 2024-12-19. Review status: criteria provided, single submitter. Criteria: ACMG Guidelines, 2015. Collection method: clinical testing. Allele origin: germline.

Ambry Genetics
Classification: Likely benign for Inborn genetic diseases. Last evaluated: 2024-09-12. Review status: criteria provided, single submitter. Criteria: Ambry Variant Classification Scheme 2023. Collection method: clinical testing. Allele origin: germline.

GeneDx
Classification: Likely benign. Last evaluated: 2016-10-17. Review status: criteria provided, single submitter. Criteria: GeneDx Variant Classification (06012015). Collection method: clinical testing. Allele origin: germline. Affected: yes.
Comment: This variant is considered likely benign or benign based on one or more of the following criteria: it is a conservative change, it occurs at a poorly conserved position in the protein, it is predicted to be benign by multiple in silico algorithms, and/or has population frequency not consistent with disease.